The following is an entry in ClinVar:

NM_001369369.1(FOXN1):c.690dup (p.Phe231fs)

Gene: FOXN1 (forkhead box N1; plus strand). Cytogenetic location: 17q11.2.
Variant type: Duplication.
Coding change: c.690dup on transcript NM_001369369.1 (MANE Select); coding-DNA position 690, one base duplicated (C; older notation c.690dupC).
Protein change: p.Phe231fs; shifts the reading frame from phenylalanine 231.
Molecular consequence: frameshift variant.
Genome position (GRCh38, 1-based): chr17:28,527,352, C duplicated; the last of 6 consecutive C bases (chr17:28,527,347-28,527,352); duplicating any one gives the same sequence. VCF-style (leftmost placement, unchanged base first): chr17-28527346-G-GC. GRCh37 (hg19) VCF-style: chr17-26854364-G-GC.
Other names: c.690dup, p.Phe231fs (NM_003593.3); short protein forms F231fs.
Identifiers: ClinVar variation 1454677 (VCV001454677.6), dbSNP rs2151490072, ClinGen allele CA625391429.

ClinVar aggregate classification (germline): Pathogenic (1 of 4 stars; one submission).

Conditions:
T-cell immunodeficiency, congenital alopecia, and nail dystrophy. Also called: Congenital alopecia and nail dystrophy associated with severe functional T-cell immunodeficiency; Pignata Guarino syndrome. Identifiers: Orphanet 169095, MedGen C1866426, MONDO:0011132, OMIM 601705.

Submission:

Labcorp Genetics (formerly Invitae), Labcorp
Classification: Pathogenic for T-cell immunodeficiency, congenital alopecia, and nail dystrophy. Last evaluated: 2024-01-21. Review status: criteria provided, single submitter. Criteria: Invitae Variant Classification Sherloc (09022015). Collection method: clinical testing. Allele origin: germline.
Comment: This sequence change creates a premature translational stop signal (p.Phe231Leufs*55) in the FOXN1 gene. It is expected to result in an absent or disrupted protein product. Loss-of-function variants in FOXN1 are known to be pathogenic (PMID: 10206641, 15180707, 31447097). This variant is not present in population databases (gnomAD no frequency). This variant has not been reported in the literature in individuals affected with FOXN1-related conditions. ClinVar contains an entry for this variant (Variation ID: 1454677). For these reasons, this variant has been classified as Pathogenic.

Literature cited by the submitters: PubMed 10206641; PubMed 15180707; PubMed 31447097.